The following is an entry in ClinVar:

NM_000264.5(PTCH1):c.1160G>A (p.Trp387Ter)

Gene: PTCH1 (patched 1; minus strand). Cytogenetic location: 9q22.32.
Variant type: single nucleotide variant.
Coding change: c.1160G>A on transcript NM_000264.5 (MANE Select); coding-DNA position 1160, G replaced by A.
Protein change: p.Trp387Ter; replaces tryptophan 387 with a stop codon.
Molecular consequence: nonsense. On other transcripts: non-coding transcript variant (1).
Genome position (GRCh38, 1-based): chr9:95,479,055, C>T on the plus strand (G>A on the coding strand, the complement: PTCH1 is on the minus strand). VCF-style: chr9-95479055-C-T. GRCh37 (hg19) VCF-style: chr9-98241337-C-T.
Other names: 1148G-A; c.962G>A, p.Trp321Ter (NM_001083602.3); c.1157G>A, p.Trp386Ter (NM_001083603.3); c.707G>A, p.Trp236Ter (NM_001083604.3, NM_001083605.3, NM_001083606.3 and 1 more transcripts); c.1160G>A, p.Trp387Ter (NM_001354918.2); short protein forms W236*, W321*, W386*, W387*.
Identifiers: ClinVar variation 8215 (VCV000008215.6), dbSNP rs2118365442, ClinGen allele CA374119328.
Genomic context (GRCh38, chr9:95,479,055, plus strand): 5'-TTTACCTCCACATATGTCCTCTGCCAGGCCTCCAGGATGGCTGCCGCTTTGTCCTCGTTC[C>T]AGTTGATGTGTGAGACATACTCGTACCCCTTGAAGTGCTCGTACATTTGCTTGGGAGTCA-3'

ClinVar aggregate classification (germline): Pathogenic. Review status: criteria provided, single submitter (1 of 4 stars). 2 submissions from 2 submitters: Pathogenic (1). 1 of the submissions does not count toward it. Last evaluated 2022-09-27.

Conditions:
Basal cell nevus syndrome 1 (BCNS1). Also called: GORLIN-GOLTZ SYNDROME; MULTIPLE BASAL CELL NEVI, ODONTOGENIC KERATOCYSTS, AND SKELETAL ANOMALIES. Identifiers: MedGen CN376810, MONDO:0958174, OMIM 109400.
Gorlin syndrome. Also called: Basal cell nevus syndrome; Nevoid Basal Cell Carcinoma Syndrome. Identifiers: Orphanet 377, MedGen C0004779, MONDO:0007187.

Submissions (2):

Labcorp Genetics (formerly Invitae), Labcorp
Classification: Pathogenic for Gorlin syndrome. Last evaluated: 2022-09-27. Review status: criteria provided, single submitter. Criteria: Invitae Variant Classification Sherloc (09022015). Collection method: clinical testing. Allele origin: germline.
Comment: For these reasons, this variant has been classified as Pathogenic. This sequence change creates a premature translational stop signal (p.Trp387*) in the PTCH1 gene. It is expected to result in an absent or disrupted protein product. Loss-of-function variants in PTCH1 are known to be pathogenic (PMID: 16301862, 16419085). This variant is not present in population databases (gnomAD no frequency). This premature translational stop signal has been observed in individual(s) with nevoid basal cell carcinoma syndrome (PMID: 8681379). This variant is also known as G1148A. ClinVar contains an entry for this variant (Variation ID: 8215).

OMIM
Classification: Pathogenic for BASAL CELL NEVUS SYNDROME 1. Last evaluated: 1996-06-14. Review status: no assertion criteria provided. Collection method: literature only. Allele origin: germline. Not counted in ClinVar's aggregate classification.

Literature cited by the submitters: PubMed 16301862 (cited by Labcorp Genetics (formerly Invitae), Labcorp); PubMed 16419085 (cited by Labcorp Genetics (formerly Invitae), Labcorp); PubMed 8681379 (cited by Labcorp Genetics (formerly Invitae), Labcorp and OMIM).